The following is an entry in ClinVar:

NC_000012.12:g.(?_132638004)_(132687315_?)dup

Gene: POLE (DNA polymerase epsilon, catalytic subunit; minus strand). Cytogenetic location: 12q24.33.
Variant type: Duplication.
Identifiers: ClinVar variation 832031 (VCV000832031.6).

ClinVar aggregate classification (germline): Uncertain significance (1 of 4 stars; one submission).

Submission:

Labcorp Genetics (formerly Invitae), Labcorp
Classification: Uncertain significance. Last evaluated: 2023-09-21. Review status: criteria provided, single submitter. Criteria: Invitae Variant Classification Sherloc (09022015). Collection method: clinical testing. Allele origin: germline.
Comment: This variant results in a copy number gain of the genomic region encompassing exon(s) 1-41 of the POLE gene. This region includes the initiator codon of the gene. This copy number gain extends beyond the assayed region for this gene and therefore may encompass additional genes. As the precise location of this event is unknown, it may be in tandem or it may be located elsewhere in the genome. This variant has not been reported in the literature in individuals affected with POLE-related conditions. In summary, the available evidence is currently insufficient to determine the role of this variant in disease. Therefore, it has been classified as a Variant of Uncertain Significance.